The following is an entry in ClinVar:

ClinVar aggregate classification (germline): Conflicting classifications of pathogenicity. Review status: criteria provided, conflicting classifications (1 of 4 stars). 3 submissions from 3 submitters: Uncertain significance (1); Benign (1); Likely benign (1). Last evaluated 2026-09-11.

Conditions:
Neurofibromatosis, type 1 (NF1). Also called: VON RECKLINGHAUSEN DISEASE; Neurofibromatosis, type I; Peripheral type neurofibromatosis; NEUROFIBROMATOSIS, TYPE I, SOMATIC. Identifiers: Orphanet 636, MedGen C0027831, MONDO:0018975, OMIM 162200. Disease mechanism: loss of function.
Hereditary cancer-predisposing syndrome. Also called: Neoplastic Syndromes, Hereditary; Hereditary Cancer Syndrome; Hereditary neoplastic syndrome; Tumor predisposition. Identifiers: Orphanet 140162, MedGen C0027672, MeSH D009386, MONDO:0015356.
Cardiovascular phenotype. Identifiers: MedGen CN230736.

Allele frequency attached by ClinVar (database versions not stated): TOPMed 0.00001.

Submissions (3):

Ambry Genetics
Classification: Likely benign for Cardiovascular phenotype; Hereditary cancer-predisposing syndrome. Last evaluated: 2026-09-11. Review status: criteria provided, single submitter. Criteria: Ambry Variant Classification Scheme 2023. Collection method: clinical testing. Allele origin: germline.

Labcorp Genetics (formerly Invitae), Labcorp
Classification: Benign for Neurofibromatosis, type 1. Last evaluated: 2026-01-07. Review status: criteria provided, single submitter. Criteria: Invitae Variant Classification Sherloc (09022015). Collection method: clinical testing. Allele origin: germline.

GeneDx
Classification: Uncertain significance. Last evaluated: 2023-02-10. Review status: criteria provided, single submitter. Criteria: GeneDx Variant Classification Process June 2021. Collection method: clinical testing. Allele origin: germline. Affected: yes.
Comment: Not observed at significant frequency in large population cohorts (gnomAD); In silico analysis supports that this missense variant does not alter protein structure/function; Has not been previously published as pathogenic or benign to our knowledge; This variant is associated with the following publications: (PMID: 25486365)

NM_001042492.3(NF1):c.7040G>C (p.Ser2347Thr)

Gene: NF1 (neurofibromin 1; plus strand). Cytogenetic location: 17q11.2.
Variant type: single nucleotide variant.
Coding change: c.7040G>C on transcript NM_001042492.3 (MANE Select); coding-DNA position 7040, G replaced by C.
Protein change: p.Ser2347Thr; replaces serine 2347 with threonine.
Molecular consequence: missense variant.
Genome position (GRCh38, 1-based): chr17:31,340,623, G>C. VCF-style: chr17-31340623-G-C. GRCh37 (hg19) VCF-style: chr17-29667641-G-C.
Other names: c.6977G>C, p.Ser2326Thr (NM_000267.4); short protein forms S2347T, S2326T.
Identifiers: ClinVar variation 580141 (VCV000580141.11), dbSNP rs1567619102, ClinGen allele CA399015167.
Genomic context (GRCh38, chr17:31,340,623, plus strand): 5'-AGGTCAACTTGTATTCAGCAGGTACCGCACTTCTTGAACAAAACCTGCATACTTTAGATA[G>C]TCTCCGTATATTCAATGACAAGGTAAGCAAACTTTGCCTTGAGGTTCCTAGATTACTCAA-3'
Protein context (NP_001035957.1, residues 2337-2357): LLEQNLHTLD[Ser2347Thr]LRIFNDKSPE